The following is an entry in ClinVar:

ClinVar aggregate classification (germline): Uncertain significance (1 of 4 stars; one submission).

Submission:

Labcorp Genetics (formerly Invitae), Labcorp
Classification: Uncertain significance. Last evaluated: 2022-06-28. Review status: criteria provided, single submitter. Criteria: Invitae Variant Classification Sherloc (09022015). Collection method: clinical testing. Allele origin: germline.
Comment: This sequence change replaces arginine, which is basic and polar, with glycine, which is neutral and non-polar, at codon 135 of the ZNF408 protein (p.Arg135Gly). This variant is not present in population databases (gnomAD no frequency). This variant has not been reported in the literature in individuals affected with ZNF408-related conditions. Algorithms developed to predict the effect of missense changes on protein structure and function (SIFT, PolyPhen-2, Align-GVGD) all suggest that this variant is likely to be tolerated. In summary, the available evidence is currently insufficient to determine the role of this variant in disease. Therefore, it has been classified as a Variant of Uncertain Significance.

NM_024741.3(ZNF408):c.403C>G (p.Arg135Gly)

Gene: ZNF408 (zinc finger protein 408; plus strand). Cytogenetic location: 11p11.2.
Variant type: single nucleotide variant.
Coding change: c.403C>G on transcript NM_024741.3 (MANE Select); coding-DNA position 403, C replaced by G.
Protein change: p.Arg135Gly; replaces arginine 135 with glycine.
Molecular consequence: missense variant.
Genome position (GRCh38, 1-based): chr11:46,702,994, C>G. VCF-style: chr11-46702994-C-G. GRCh37 (hg19) VCF-style: chr11-46724544-C-G.
Other names: c.379C>G, p.Arg127Gly (NM_001184751.2); short protein forms R135G, R127G.
Identifiers: ClinVar variation 1957496 (VCV001957496.5), dbSNP rs367608316, ClinGen allele CA380252182.